The following is an entry in ClinVar:

ClinVar aggregate classification (germline): Conflicting classifications of pathogenicity. Review status: criteria provided, conflicting classifications (1 of 4 stars). 5 submissions from 5 submitters: Uncertain significance (2); Likely benign (2). 1 of the submissions does not count toward it. Last evaluated 2025-08-29.

Conditions:
Retinal dystrophy. Also called: Inherited retinal dystrophy. Identifiers: Orphanet 71862, MedGen C0854723, MeSH D058499, MONDO:0019118, HP:0000556.
FAM161A-related disorder. Also called: FAM161A-related condition.
Retinitis pigmentosa (RP). Identifiers: Orphanet 791, MedGen C0035334, MeSH D012174, MONDO:0019200, OMIM 268000. Inheritance: Autosomal dominant, autosomal recessive and X linked inheritance.

Allele frequency attached by ClinVar (database versions not stated): gnomAD exomes 0.00004 and 0.00005; ExAC 0.00005; gnomAD 0.00017 and 0.00018; TOPMed 0.00026; ESP Exome Variant Server 0.00034.
gnomAD v4.1: 104 of 1,613,924 alleles (0.0064%); highest among the groups gnomAD compares: African/African-American, 0.032%; no homozygotes.

Submissions (5):

Labcorp Genetics (formerly Invitae), Labcorp
Classification: Likely benign. Last evaluated: 2025-08-29. Review status: criteria provided, single submitter. Criteria: Invitae Variant Classification Sherloc (09022015). Collection method: clinical testing. Allele origin: germline.

Blueprint Genetics
Classification: Likely benign. Last evaluated: 2024-09-05. Review status: criteria provided, single submitter. Criteria: ACMG Guidelines, 2015. Collection method: clinical testing. Allele origin: germline.

Dept Of Ophthalmology, Nagoya University
Classification: Uncertain significance for Retinal dystrophy. Last evaluated: 2023-10-01. Review status: criteria provided, single submitter. Criteria: Submitter's publication. Collection method: research. Allele origin: germline. Affected: yes.

Illumina Laboratory Services, Illumina
Classification: Uncertain significance for Retinitis pigmentosa. Last evaluated: 2018-01-13. Review status: criteria provided, single submitter. Criteria: ICSL Variant Classification Criteria 13 December 2019. Collection method: clinical testing. Allele origin: germline.

PreventionGenetics, part of Exact Sciences
Classification: Likely benign for FAM161A-related condition. Last evaluated: 2024-08-23. Review status: no assertion criteria provided. Collection method: clinical testing. Allele origin: germline. Not counted in ClinVar's aggregate classification.
Comment: This variant is classified as likely benign based on ACMG/AMP sequence variant interpretation guidelines (Richards et al. 2015 PMID: 25741868, with internal and published modifications).

NM_001201543.2(FAM161A):c.717G>A (p.Pro239=)

Gene: FAM161A (FAM161 centrosomal protein A; minus strand). Cytogenetic location: 2p15.
Variant type: single nucleotide variant.
Coding change: c.717G>A on transcript NM_001201543.2 (MANE Select); coding-DNA position 717, G replaced by A.
Protein change: p.Pro239=; no amino-acid change (proline 239 retained).
Molecular consequence: synonymous variant. On other transcripts: non-coding transcript variant (1).
Genome position (GRCh38, 1-based): chr2:61,840,287, C>T on the plus strand (G>A on the coding strand, the complement: FAM161A is on the minus strand). VCF-style: chr2-61840287-C-T. GRCh37 (hg19) VCF-style: chr2-62067422-C-T.
Other names: c.717G>A, p.Pro239= (NM_032180.3).
Identifiers: ClinVar variation 336741 (VCV000336741.17), dbSNP rs377016856, ClinGen allele CA1679299.